The following is an entry in ClinVar:

ClinVar aggregate classification (germline): Uncertain significance (1 of 4 stars; one submission).

Allele frequency attached by ClinVar (database versions not stated): ExAC 0.00007; ESP Exome Variant Server 0.00015; 1000 Genomes Project 30x 0.00016; 1000 Genomes Project 0.00020.

Submission:

Labcorp Genetics (formerly Invitae), Labcorp
Classification: Uncertain significance. Last evaluated: 2026-01-26. Review status: criteria provided, single submitter. Criteria: Invitae Variant Classification Sherloc (09022015). Collection method: clinical testing. Allele origin: germline.
Comment: This sequence change replaces glycine, which is neutral and non-polar, with arginine, which is basic and polar, at codon 172 of the IRF9 protein (p.Gly172Arg). This variant is present in population databases (rs201838285, gnomAD 0.05%). This variant has not been reported in the literature in individuals affected with IRF9-related conditions. ClinVar contains an entry for this variant (Variation ID: 2199107). An algorithm developed to predict the effect of missense changes on protein structure and function outputs the following: PolyPhen-2: "Benign". The arginine amino acid residue is found in multiple mammalian species, which suggests that this missense change does not adversely affect protein function. In summary, the available evidence is currently insufficient to determine the role of this variant in disease. Therefore, it has been classified as a Variant of Uncertain Significance.

NM_006084.5(IRF9):c.514G>A (p.Gly172Arg)

Gene: IRF9 (interferon regulatory factor 9; plus strand). Cytogenetic location: 14q12.
Variant type: single nucleotide variant.
Coding change: c.514G>A on transcript NM_006084.5 (MANE Select); coding-DNA position 514, G replaced by A.
Protein change: p.Gly172Arg; replaces glycine 172 with arginine.
Molecular consequence: missense variant.
Genome position (GRCh38, 1-based): chr14:24,163,896, G>A. VCF-style: chr14-24163896-G-A. GRCh37 (hg19) VCF-style: chr14-24633105-G-A.
Other names: c.514G>A, p.Gly172Arg (NM_001385400.1, NM_001385401.1, NM_001385402.1); short protein forms G172R.
Identifiers: ClinVar variation 2199107 (VCV002199107.4), dbSNP rs201838285, ClinGen allele CA7126464.